The following is an entry in ClinVar:

NM_005422.4(TECTA):c.6070G>A (p.Val2024Ile)

Genes: TBCEL-TECTA (TBCEL-TECTA readthrough; plus strand), TECTA (tectorin alpha; plus strand). Cytogenetic location: 11q23.3.
Variant type: single nucleotide variant.
Coding change: c.6070G>A on transcript NM_005422.4 (MANE Select); coding-DNA position 6070, G replaced by A.
Protein change: p.Val2024Ile; replaces valine 2024 with isoleucine.
Molecular consequence: missense variant.
Genome position (GRCh38, 1-based): chr11:121,187,902, G>A. VCF-style: chr11-121187902-G-A. GRCh37 (hg19) VCF-style: chr11-121058611-G-A.
Other names: c.7012G>A, p.Val2338Ile (NM_001378761.1); short protein forms V2024I, V2338I.
Identifiers: ClinVar variation 1307549 (VCV001307549.4), dbSNP rs772595230, ClinGen allele CA6327876.

ClinVar aggregate classification (germline): Conflicting classifications of pathogenicity. Review status: criteria provided, conflicting classifications (1 of 4 stars). 2 submissions from 2 submitters: Uncertain significance (1); Likely benign (1). Last evaluated 2024-04-25.

Allele frequency attached by ClinVar (database versions not stated): gnomAD exomes 0.00001; ExAC 0.00002; TOPMed 0.00003; gnomAD 0.00004.
gnomAD v4.1: 42 of 1,614,082 alleles (0.0026%); highest among the groups gnomAD compares: Non-Finnish European, 0.003%; no homozygotes.

Submissions (2):

Labcorp Genetics (formerly Invitae), Labcorp
Classification: Likely benign. Last evaluated: 2024-04-25. Review status: criteria provided, single submitter. Criteria: Invitae Variant Classification Sherloc (09022015). Collection method: clinical testing. Allele origin: germline.

GeneDx
Classification: Uncertain significance. Last evaluated: 2019-07-29. Review status: criteria provided, single submitter. Criteria: GeneDx Variant Classification Process June 2021. Collection method: clinical testing. Allele origin: germline. Affected: yes.
Comment: In silico analysis, which includes protein predictors and evolutionary conservation, supports that this variant does not alter protein structure/function; Has not been previously published as pathogenic or benign to our knowledge